The following is an entry in ClinVar:

NM_001042492.3(NF1):c.3976T>A (p.Leu1326Ile)

Gene: NF1 (neurofibromin 1; plus strand). Cytogenetic location: 17q11.2.
Variant type: single nucleotide variant.
Coding change: c.3976T>A on transcript NM_001042492.3 (MANE Select); coding-DNA position 3976, T replaced by A.
Protein change: p.Leu1326Ile; replaces leucine 1326 with isoleucine.
Molecular consequence: missense variant.
Genome position (GRCh38, 1-based): chr17:31,248,985, T>A. VCF-style: chr17-31248985-T-A. GRCh37 (hg19) VCF-style: chr17-29576003-T-A.
Other names: c.3976T>A, p.Leu1326Ile (NM_000267.4); short protein forms L1326I.
Identifiers: ClinVar variation 231035 (VCV000231035.15), dbSNP rs765957571, ClinGen allele CA8486312.

ClinVar aggregate classification (germline): Conflicting classifications of pathogenicity. Review status: criteria provided, conflicting classifications (1 of 4 stars). 6 submissions from 5 submitters: Uncertain significance (5); Likely benign (1). Last evaluated 2025-05-11.

Conditions:
Cardiovascular phenotype. Identifiers: MedGen CN230736.
Hereditary cancer-predisposing syndrome. Also called: Hereditary Cancer Syndrome; Neoplastic Syndromes, Hereditary; Tumor predisposition; Hereditary neoplastic syndrome. Identifiers: Orphanet 140162, MedGen C0027672, MeSH D009386, MONDO:0015356.
Neurofibromatosis, type 1 (NF1). Also called: Neurofibromatosis, type I; VON RECKLINGHAUSEN DISEASE; NEUROFIBROMATOSIS, TYPE I, SOMATIC; Peripheral type neurofibromatosis. Identifiers: Orphanet 636, MedGen C0027831, MONDO:0018975, OMIM 162200. Disease mechanism: loss of function.
Café-au-lait macules with pulmonary stenosis (WTSN). Also called: PULMONIC STENOSIS WITH CAFE-AU-LAIT SPOTS. Identifiers: MedGen C0553586, MONDO:0008672, OMIM 193520.
Juvenile myelomonocytic leukemia (JMML). Also called: LEUKEMIA, JUVENILE MYELOMONOCYTIC, SOMATIC. Identifiers: Orphanet 86834, MedGen C0349639, MONDO:0011908, OMIM 607785, HP:0012209.
Neurofibromatosis-Noonan syndrome (NFNS). Also called: NEUROFIBROMATOSIS WITH NOONAN PHENOTYPE. Identifiers: Orphanet 638, MedGen C2931482, MONDO:0011035, OMIM 601321. Disease mechanism: loss of function.
Neurofibromatosis, familial spinal (FSNF). Identifiers: Orphanet 636, MedGen C1834235, MONDO:0008078, OMIM 162210. Disease mechanism: loss of function.

Allele frequency attached by ClinVar (database versions not stated): ExAC 0.00001; gnomAD exomes 0.00001.
gnomAD v4.1: 14 of 1,613,990 alleles (0.00087%); highest among the groups gnomAD compares: Non-Finnish European, 0.0012%; no homozygotes.

Submissions (6):

Labcorp Genetics (formerly Invitae), Labcorp
Classification: Likely benign for Neurofibromatosis, type 1. Last evaluated: 2025-05-11. Review status: criteria provided, single submitter. Criteria: Invitae Variant Classification Sherloc (09022015). Collection method: clinical testing. Allele origin: germline.

Quest Diagnostics Nichols Institute San Juan Capistrano
Classification: Uncertain significance. Last evaluated: 2023-11-06. Review status: criteria provided, single submitter. Criteria: Quest Diagnostics criteria. Collection method: clinical testing. Allele origin: unknown.

Fulgent Genetics
Classification: Uncertain significance for Neurofibromatosis, type 1; Neurofibromatosis, familial spinal; Café-au-lait macules with pulmonary stenosis; Neurofibromatosis-Noonan syndrome; Juvenile myelomonocytic leukemia. Last evaluated: 2022-05-25. Review status: criteria provided, single submitter. Criteria: ACMG Guidelines, 2015. Collection method: clinical testing. Allele origin: unknown.

Genome-Nilou Lab
Classification: Uncertain significance for Neurofibromatosis, type 1. Last evaluated: 2022-03-15. Review status: criteria provided, single submitter. Criteria: ACMG Guidelines, 2015. Collection method: clinical testing. Allele origin: germline. Affected: no.

Ambry Genetics
Classification: Uncertain significance for Cardiovascular phenotype; Hereditary cancer-predisposing syndrome. Last evaluated: 2020-11-12. Review status: criteria provided, single submitter. Criteria: Ambry Variant Classification Scheme 2023. Collection method: clinical testing. Allele origin: germline.

Ambry Genetics
Classification: Uncertain significance for Hereditary cancer-predisposing syndrome. Last evaluated: 2015-05-18. Review status: criteria provided, single submitter. Criteria: Ambry Autosomal Dominant and X-Linked criteria (10/2015). Collection method: clinical testing. Allele origin: germline. Observed: 1 variant allele.
Comment: The p.L1326I variant (also known as c.3976T>A), located in coding exon 30 of the NF1 gene, results from a T to A substitution at nucleotide position 3976. The leucine at codon 1326 is replaced by isoleucine, an amino acid with highly similar properties. This variant was not reported in population based cohorts in the following databases: Database of Single Nucleotide Polymorphisms (dbSNP), NHLBI Exome Sequencing Project (ESP), and 1000 Genomes Project. In the ESP, this variant was not observed in 6503 samples (13006 alleles) with coverage at this position. To date, this alteration has been detected with an allele frequency of approximately 0.002% (greater than55000alleles tested) in our clinical cohort.This amino acid position is highly conserved in available vertebrate species. In addition, the in silico prediction for this alteration is inconclusive.Since supporting evidence is limited at this time, the clinical significance of p.L1326I remains unclear.

Literature cited by the submitters: PubMed 33471991 (cited by Quest Diagnostics Nichols Institute San Juan Capistrano); PubMed 32576280 (cited by Quest Diagnostics Nichols Institute San Juan Capistrano).